The following is an entry in ClinVar:

NM_004736.4(XPR1):c.2039C>T (p.Ala680Val)

Gene: XPR1 (xenotropic and polytropic retrovirus receptor 1; plus strand). Cytogenetic location: 1q25.3.
Variant type: single nucleotide variant.
Coding change: c.2039C>T on transcript NM_004736.4 (MANE Select); coding-DNA position 2039, C replaced by T.
Protein change: p.Ala680Val; replaces alanine 680 with valine.
Molecular consequence: missense variant. On other transcripts: non-coding transcript variant (1).
Genome position (GRCh38, 1-based): chr1:180,884,014, C>T. VCF-style: chr1-180884014-C-T. GRCh37 (hg19) VCF-style: chr1-180853150-C-T.
Other names: c.1844C>T, p.Ala615Val (NM_001135669.2); short protein forms A615V, A680V.
Identifiers: ClinVar variation 4845487 (VCV004845487.1).
Genomic context (GRCh38, chr1:180,884,014, plus strand): 5'-TTTATATTTGGGTAATGGACTAAGTGCTTTTTGTCCCCCTTGTTACCACTAGATCCAAGG[C>T]TCGTGACACTAAGGTATTGATAGAAGACACAGATGATGAAGCTAACACTTGAATTTTCTG-3'
Protein context (NP_004727.2, residues 670-690): RRPRLASQSK[Ala680Val]RDTKVLIEDT

ClinVar aggregate classification (germline): Uncertain significance (1 of 4 stars; one submission).

Submission:

Greenwood Genetic Center Diagnostic Laboratories, Greenwood Genetic Center
Classification: Uncertain significance. Last evaluated: 2025-11-24. Review status: criteria provided, single submitter. Criteria: ACMG Guidelines, 2015. Collection method: clinical testing. Allele origin: germline. Affected: yes.
Comment: PM2